The following is an entry in ClinVar:

NM_001163809.2(WDR81):c.4336G>A (p.Asp1446Asn)

Gene: WDR81 (WD repeat domain 81; plus strand). Cytogenetic location: 17p13.3.
Variant type: single nucleotide variant.
Coding change: c.4336G>A on transcript NM_001163809.2 (MANE Select); coding-DNA position 4336, G replaced by A.
Protein change: p.Asp1446Asn; replaces aspartic acid 1446 with asparagine.
Molecular consequence: missense variant.
Genome position (GRCh38, 1-based): chr17:1,732,678, G>A. VCF-style: chr17-1732678-G-A. GRCh37 (hg19) VCF-style: chr17-1635972-G-A.
Other names: c.727G>A, p.Asp243Asn (NM_001163673.2); c.655G>A, p.Asp219Asn (NM_001163811.2); c.1183G>A, p.Asp395Asn (NM_152348.4); short protein forms D1446N, D219N, D243N, D395N.
Identifiers: ClinVar variation 1315279 (VCV001315279.5), dbSNP rs751333167, ClinGen allele CA8273537.

ClinVar aggregate classification (germline): Uncertain significance. Review status: criteria provided, multiple submitters, no conflicts (2 of 4 stars). 2 submissions from 2 submitters: Uncertain significance (2). Last evaluated 2025-03-25.

Conditions:
Inborn genetic diseases. Identifiers: MedGen C0950123, MeSH D030342.

Allele frequency attached by ClinVar (database versions not stated): gnomAD exomes 0.00002 and 0.00005; ExAC 0.00003; TOPMed 0.00008; gnomAD 0.00013 and 0.00014.
gnomAD v4.1: 108 of 1,606,678 alleles (0.0067%); highest among the groups gnomAD compares: African/African-American, 0.029%; no homozygotes.

Submissions (2):

GeneDx
Classification: Uncertain significance. Last evaluated: 2025-03-25. Review status: criteria provided, single submitter. Criteria: GeneDx Variant Classification Process June 2021. Collection method: clinical testing. Allele origin: germline. Affected: yes.
Comment: In silico analysis supports that this missense variant has a deleterious effect on protein structure/function; Has not been previously published as pathogenic or benign to our knowledge

Ambry Genetics
Classification: Uncertain significance for Inborn genetic diseases. Last evaluated: 2021-10-14. Review status: criteria provided, single submitter. Criteria: Ambry Variant Classification Scheme 2023. Collection method: clinical testing. Allele origin: germline.